The following is an entry in ClinVar:

ClinVar aggregate classification (germline): Pathogenic (3 of 4 stars; one submission).

Conditions:
Breast-ovarian cancer, familial, susceptibility to, 1 (BROVCA1). Also called: BRCA1 Hereditary Breast and Ovarian Cancer; OVARIAN CANCER, SUSCEPTIBILITY TO. Identifiers: Orphanet 145, MedGen C2676676, MONDO:0011450, OMIM 604370. Disease mechanism: loss of function.

Submission:

Evidence-based Network for the Interpretation of Germline Mutant Alleles (ENIGMA)
Classification: Pathogenic for Breast-ovarian cancer, familial, susceptibility to, 1. Last evaluated: 2017-12-15. Review status: reviewed by expert panel. Criteria: ENIGMA BRCA1/2 Classification Criteria (2017-06-29). Collection method: curation. Allele origin: germline. Study: ENIGMA.
Comment: Variant allele predicted to encode a truncated non-functional protein.

NM_007294.4(BRCA1):c.5407_5414delGGTGTCCA (p.Gly1803fs)

Gene: BRCA1 (BRCA1 DNA repair associated; minus strand). Cytogenetic location: 17q21.31.
Variant type: Deletion.
Coding change: c.5407_5414delGGTGTCCA on transcript NM_007294.4 (MANE Select); coding-DNA positions 5407 to 5414, 8 bases deleted (GGTGTCCA).
Protein change: p.Gly1803fs; shifts the reading frame from glycine 1803.
Molecular consequence: frameshift variant. On other transcripts: non-coding transcript variant (1).
Genome position (GRCh38, 1-based): chr17:43,047,696-43,047,703, TGGACACC deleted on the plus strand (GGTGTCCA on the coding strand, the reverse complement: BRCA1 is on the minus strand). VCF-style (leftmost placement, unchanged base first): chr17-43047695-GTGGACACC-G. GRCh37 (hg19) VCF-style: chr17-41199712-GTGGACACC-G.
Other names: c.5407_5414delGGTGTCCA (NM_007294.3); c.5266_5273delGGTGTCCA, p.Gly1756fs (NM_007297.4); c.2021_2028del, p.Gly674fs (NM_007299.4); c.5470_5477delGGTGTCCA, p.Gly1824fs (NM_007300.4); short protein forms G1803fs, G1824fs, G1756fs, G674fs.
Identifiers: ClinVar variation 267222 (VCV000267222.2), dbSNP rs886040865, ClinGen allele CA10590059.
Genomic context (GRCh38, chr17:43,047,695, plus strand): 5'-CACCTTACCATGGAAGCCATTGTCCTCTGTCCAGGCATCTGGCTGCACAACCACAATTGG[GTGGACACC>G]CTGGATCCCCAGGAAGGAAAGAGCATTCAAAGTGTCAAAGTAGGACTACTGGAACTGTCA-3'